The following is an entry in ClinVar:

NC_000020.10:g.(?_61987307)_(61993206_?)del

Gene: CHRNA4 (cholinergic receptor nicotinic alpha 4 subunit; minus strand). Cytogenetic location: 20q13.33.
Variant type: Deletion.
Identifiers: ClinVar variation 1022502 (VCV001022502.1).

ClinVar aggregate classification (germline): Uncertain significance (1 of 4 stars; one submission).

Conditions:
Familial sleep-related hypermotor epilepsy. Also called: Autosomal Dominant Sleep-Related Hypermotor (Hyperkinetic) Epilepsy. Identifiers: Orphanet 98784, MedGen C3696898, MONDO:0000030.

Submission:

Labcorp Genetics (formerly Invitae), Labcorp
Classification: Uncertain significance. Last evaluated: 2020-03-14. Review status: criteria provided, single submitter. Criteria: Invitae Variant Classification Sherloc (09022015). Collection method: clinical testing. Allele origin: germline.
Comment: This variant is a gross deletion of the genomic region encompassing exons 1-4 of the CHRNA4 gene, which includes the initiator codon. The 5' end of this event is unknown as it extends beyond the assayed region for this gene and therefore may encompass additional genes. The 3' boundary is likely confined to intron 4 of the CHRNA4 gene. This is expected to result in an absent or disrupted protein product. This variant has not been reported in the literature in individuals with CHRNA4-related conditions. The current clinical and genetic evidence is not sufficient to establish whether loss-of-function variants in CHRNA4 cause disease. In summary, the available evidence is currently insufficient to determine the role of this variant in disease. Therefore, it has been classified as a Variant of Uncertain Significance.